The following is an entry in ClinVar:

ClinVar aggregate classification (germline): Uncertain significance. Review status: criteria provided, multiple submitters, no conflicts (2 of 4 stars). 2 submissions from 2 submitters: Uncertain significance (2). Last evaluated 2025-08-06.

Allele frequency attached by ClinVar (database versions not stated): TOPMed 0.00005.
gnomAD v4.1: 6 of 1,613,460 alleles (0.00037%); highest among the groups gnomAD compares: Admixed American, 0.005%; no homozygotes.

Submissions (2):

Ambry Genetics
Classification: Uncertain significance. Last evaluated: 2025-08-06. Review status: criteria provided, single submitter. Criteria: Ambry Variant Classification Scheme 2023. Collection method: clinical testing. Allele origin: germline.

Labcorp Genetics (formerly Invitae), Labcorp
Classification: Uncertain significance. Last evaluated: 2023-06-14. Review status: criteria provided, single submitter. Criteria: Invitae Variant Classification Sherloc (09022015). Collection method: clinical testing. Allele origin: germline.
Comment: This sequence change replaces threonine, which is neutral and polar, with arginine, which is basic and polar, at codon 227 of the POLD2 protein (p.Thr227Arg). In summary, the available evidence is currently insufficient to determine the role of this variant in disease. Therefore, it has been classified as a Variant of Uncertain Significance. Experimental studies and prediction algorithms are not available or were not evaluated, and the functional significance of this variant is currently unknown. ClinVar contains an entry for this variant (Variation ID: 1978788). This variant has not been reported in the literature in individuals affected with POLD2-related conditions. This variant is not present in population databases (gnomAD no frequency).

NM_006230.4(POLD2):c.575C>G (p.Thr192Arg)

Gene: POLD2 (DNA polymerase delta 2, accessory subunit; minus strand). Cytogenetic location: 7p13.
Variant type: single nucleotide variant.
Coding change: c.575C>G on transcript NM_006230.4 (MANE Select); coding-DNA position 575, C replaced by G.
Protein change: p.Thr192Arg; replaces threonine 192 with arginine.
Molecular consequence: missense variant.
Genome position (GRCh38, 1-based): chr7:44,117,139, G>C on the plus strand (C>G on the coding strand, the complement: POLD2 is on the minus strand). VCF-style: chr7-44117139-G-C. GRCh37 (hg19) VCF-style: chr7-44156738-G-C.
Other names: c.575C>G, p.Thr192Arg (NM_001127218.3, NM_001256879.2); c.575C>G (NM_001127218.1); short protein forms T192R.
Identifiers: ClinVar variation 1978788 (VCV001978788.5), dbSNP rs748328242, ClinGen allele CA157888346.